The following is an entry in ClinVar:

NM_001005242.3(PKP2):c.2083C>T (p.His695Tyr)

Gene: PKP2 (plakophilin 2; minus strand). Cytogenetic location: 12p11.21.
Variant type: single nucleotide variant.
Coding change: c.2083C>T on transcript NM_001005242.3 (MANE Select); coding-DNA position 2083, C replaced by T.
Protein change: p.His695Tyr; replaces histidine 695 with tyrosine.
Molecular consequence: missense variant.
Genome position (GRCh38, 1-based): chr12:32,802,487, G>A on the plus strand (C>T on the coding strand, the complement: PKP2 is on the minus strand). VCF-style: chr12-32802487-G-A. GRCh37 (hg19) VCF-style: chr12-32955421-G-A.
Other names: c.2083C>T, p.His695Tyr (NM_001407155.1); c.1918C>T, p.His640Tyr (NM_001407156.1); c.1756C>T, p.His586Tyr (NM_001407158.1, NM_001407159.1, NM_001407160.1); c.2215C>T, p.His739Tyr (NM_004572.4); short protein forms H640Y, H695Y, H739Y, H586Y.
Identifiers: ClinVar variation 2771713 (VCV002771713.3), dbSNP rs2541200717, ClinGen allele CA384359795.

ClinVar aggregate classification (germline): Uncertain significance (1 of 4 stars; one submission).

Conditions:
Arrhythmogenic right ventricular dysplasia 9 (ARVD9). Also called: Arrhythmogenic Right Ventricular Dysplasia/Cardiomyopathy 9; ARRHYTHMOGENIC RIGHT VENTRICULAR DYSPLASIA, FAMILIAL, 9. Identifiers: MedGen C1836906, MONDO:0012180, OMIM 609040.

Submission:

Labcorp Genetics (formerly Invitae), Labcorp
Classification: Uncertain significance for Arrhythmogenic right ventricular dysplasia 9. Last evaluated: 2023-10-25. Review status: criteria provided, single submitter. Criteria: Invitae Variant Classification Sherloc (09022015). Collection method: clinical testing. Allele origin: germline.
Comment: This sequence change replaces histidine, which is basic and polar, with tyrosine, which is neutral and polar, at codon 739 of the PKP2 protein (p.His739Tyr). This variant is not present in population databases (gnomAD no frequency). This variant has not been reported in the literature in individuals affected with PKP2-related conditions. Algorithms developed to predict the effect of missense changes on protein structure and function output the following: SIFT: "Not Available"; PolyPhen-2: "Benign"; Align-GVGD: "Not Available". The tyrosine amino acid residue is found in multiple mammalian species, which suggests that this missense change does not adversely affect protein function. In summary, the available evidence is currently insufficient to determine the role of this variant in disease. Therefore, it has been classified as a Variant of Uncertain Significance.